The following is an entry in ClinVar:

NM_152564.5(VPS13B):c.161C>T (p.Pro54Leu)

Gene: VPS13B (vacuolar protein sorting 13 homolog B; plus strand). Cytogenetic location: 8q22.2.
Variant type: single nucleotide variant.
Coding change: c.161C>T on transcript NM_152564.5 (MANE Select); coding-DNA position 161, C replaced by T.
Protein change: p.Pro54Leu; replaces proline 54 with leucine.
Molecular consequence: missense variant. On other transcripts: non-coding transcript variant (1).
Genome position (GRCh38, 1-based): chr8:99,038,436, C>T. VCF-style: chr8-99038436-C-T. GRCh37 (hg19) VCF-style: chr8-100050664-C-T.
Other names: c.161C>T, p.Pro54Leu (NM_015243.3, NM_017890.5, NM_181661.3); short protein forms P54L.
Identifiers: ClinVar variation 1413750 (VCV001413750.6), dbSNP rs1253965070, ClinGen allele CA371859615.

ClinVar aggregate classification (germline): Uncertain significance (1 of 4 stars; one submission).

Conditions:
Cohen syndrome (COH1). Also called: PEPPER SYNDROME; Cutis verticis gyrata, retinitis pigmentosa, and sensorineural deafness. Identifiers: Orphanet 193, MedGen C0265223, MONDO:0008999, OMIM 216550.

Submission:

Labcorp Genetics (formerly Invitae), Labcorp
Classification: Uncertain significance for Cohen syndrome. Last evaluated: 2023-05-08. Review status: criteria provided, single submitter. Criteria: Invitae Variant Classification Sherloc (09022015). Collection method: clinical testing. Allele origin: germline.
Comment: Advanced modeling of protein sequence and biophysical properties (such as structural, functional, and spatial information, amino acid conservation, physicochemical variation, residue mobility, and thermodynamic stability) performed at Invitae indicates that this missense variant is expected to disrupt VPS13B protein function. ClinVar contains an entry for this variant (Variation ID: 1413750). This variant has not been reported in the literature in individuals affected with VPS13B-related conditions. This variant is not present in population databases (gnomAD no frequency). This sequence change replaces proline with leucine at codon 54 of the VPS13B protein (p.Pro54Leu). The proline residue is moderately conserved and there is a moderate physicochemical difference between proline and leucine. In summary, the available evidence is currently insufficient to determine the role of this variant in disease. Therefore, it has been classified as a Variant of Uncertain Significance.